The following is an entry in ClinVar:

ClinVar aggregate classification (germline): Benign/Likely benign. Review status: criteria provided, multiple submitters, no conflicts (2 of 4 stars). 3 submissions from 3 submitters: Benign (1); Likely benign (1). 1 of the submissions does not count toward it. Last evaluated 2026-08-01.

Conditions:
PLXNA1-related disorder. Also called: PLXNA1-related condition.

Allele frequency attached by ClinVar (database versions not stated): ESP Exome Variant Server 0.00015; TOPMed 0.00026; gnomAD 0.00033; 1000 Genomes Project 0.00040; 1000 Genomes Project 30x 0.00047; ExAC 0.00062.
gnomAD v4.1: 753 of 1,613,398 alleles (0.047%); highest among the groups gnomAD compares: East Asian, 0.49%; 2 homozygotes.

Submissions (3):

CeGaT Center for Human Genetics Tuebingen
Classification: Likely benign. Last evaluated: 2026-08-01. Review status: criteria provided, single submitter. Criteria: CeGaT Center For Human Genetics Tuebingen Variant Classification Criteria Version 2. Collection method: clinical testing. Allele origin: germline. Affected: yes. Observed: 2 variant alleles.
Comment: PLXNA1: BP4, BP7

Labcorp Genetics (formerly Invitae), Labcorp
Classification: Benign. Last evaluated: 2025-09-15. Review status: criteria provided, single submitter. Criteria: Invitae Variant Classification Sherloc (09022015). Collection method: clinical testing. Allele origin: germline.

PreventionGenetics, part of Exact Sciences
Classification: Likely benign for PLXNA1-related condition. Last evaluated: 2019-04-10. Review status: no assertion criteria provided. Collection method: clinical testing. Allele origin: germline. Not counted in ClinVar's aggregate classification.
Comment: This variant is classified as likely benign based on ACMG/AMP sequence variant interpretation guidelines (Richards et al. 2015 PMID: 25741868, with internal and published modifications).

NM_032242.4(PLXNA1):c.5499G>A (p.Ala1833=)

Gene: PLXNA1 (plexin A1; plus strand). Cytogenetic location: 3q21.3.
Variant type: single nucleotide variant.
Coding change: c.5499G>A on transcript NM_032242.4 (MANE Select); coding-DNA position 5499, G replaced by A.
Protein change: p.Ala1833=; no amino-acid change (alanine 1833 retained).
Molecular consequence: synonymous variant.
Genome position (GRCh38, 1-based): chr3:127,032,740, G>A. VCF-style: chr3-127032740-G-A. GRCh37 (hg19) VCF-style: chr3-126751583-G-A.
Other names: c.5499G>A (NM_032242.3).
Identifiers: ClinVar variation 2080904 (VCV002080904.29), dbSNP rs139982539, ClinGen allele CA2594707.